The following is an entry in ClinVar:

ClinVar aggregate classification (germline): Likely benign (1 of 4 stars; one submission).

Allele frequency attached by ClinVar (database versions not stated): gnomAD exomes below 0.00001.
gnomAD v4.1: 2 of 1,614,104 alleles (0.00012%); highest among the groups gnomAD compares: Non-Finnish European, 0.00017%; no homozygotes.

Submission:

GeneDx
Classification: Likely benign. Last evaluated: 2017-02-08. Review status: criteria provided, single submitter. Criteria: GeneDx Variant Classification (06012015). Collection method: clinical testing. Allele origin: germline. Affected: yes.
Comment: This variant is considered likely benign or benign based on one or more of the following criteria: it is a conservative change, it occurs at a poorly conserved position in the protein, it is predicted to be benign by multiple in silico algorithms, and/or has population frequency not consistent with disease.

NM_001330260.2(SCN8A):c.5265A>G (p.Leu1755=)

Gene: SCN8A (sodium voltage-gated channel alpha subunit 8; plus strand). Cytogenetic location: 12q13.13.
Variant type: single nucleotide variant.
Coding change: c.5265A>G on transcript NM_001330260.2 (MANE Select); coding-DNA position 5265, A replaced by G.
Protein change: p.Leu1755=; no amino-acid change (leucine 1755 retained).
Molecular consequence: synonymous variant.
Genome position (GRCh38, 1-based): chr12:51,806,751, A>G. VCF-style: chr12-51806751-A-G. GRCh37 (hg19) VCF-style: chr12-52200535-A-G.
Other names: c.5142A>G, p.Leu1714= (NM_001177984.3, NM_001369788.1); c.5265A>G, p.Leu1755= (NM_014191.4).
Identifiers: ClinVar variation 507222 (VCV000507222.1), dbSNP rs1555231005, ClinGen allele CA480061908.
Genomic context (GRCh38, chr12:51,806,751, plus strand): 5'-TTGTGGGAACCCCTCAGTGGGCATCTTCTTCTTTGTAAGCTACATCATCATCTCTTTCCT[A>G]ATTGTCGTGAACATGTACATTGCCATCATCCTGGAGAACTTCAGTGTAGCCACAGAGGAA-3'
Protein context (NP_001317189.1, residues 1745-1765): FFVSYIIISF[Leu1755=]IVVNMYIAII